The following is an entry in ClinVar:

NC_000015.9:g.(?_23006221)_(23932364_?)dup

Genes: GOLGA6L2 (golgin A6 family like 2; minus strand), MAGEL2 (MAGE family member L2; minus strand), MKRN3 (makorin ring finger protein 3; plus strand), NDN (necdin, MAGE family member; minus strand), NIPA1 (NIPA magnesium transporter 1; plus strand) and 1 more. Cytogenetic location: 15q11.2.
Variant type: Duplication.
Identifiers: ClinVar variation 1447182 (VCV001447182.5).

ClinVar aggregate classification (germline): Uncertain significance (1 of 4 stars; one submission).

Submission:

Labcorp Genetics (formerly Invitae), Labcorp
Classification: Uncertain significance. Last evaluated: 2022-10-15. Review status: criteria provided, single submitter. Criteria: Invitae Variant Classification Sherloc (09022015). Collection method: clinical testing. Allele origin: germline.
Comment: A copy number gain of the genomic region encompassing the full coding sequence of the MAGEL2 gene has been identified. The boundaries of this event are unknown as they extend beyond the assayed region for this gene and therefore may encompass additional genes. As the precise location of this event is unknown, it may be in tandem or it may be located elsewhere in the genome. This variant has not been reported in the literature in individuals affected with MAGEL2-related conditions. In summary, the available evidence is currently insufficient to determine the role of this variant in disease. Therefore, it has been classified as a Variant of Uncertain Significance.